The following is an entry in ClinVar:

ClinVar aggregate classification (germline): Pathogenic/Likely pathogenic. Review status: criteria provided, multiple submitters, no conflicts (2 of 4 stars). 6 submissions from 6 submitters: Pathogenic (2); Likely pathogenic (2). 2 of the submissions do not count toward it. Last evaluated 2025-03-28.

Conditions:
Gastrointestinal stromal tumor. Also called: Gastrointestinal stromal tumor, somatic; Gastrointestinal stroma tumor. Identifiers: Orphanet 44890, MedGen C0238198, MeSH D046152, MONDO:0011719, OMIM 606764, HP:0100723.
Pheochromocytoma. Also called: MAX-Related Hereditary Paraganglioma-Pheochromocytoma Syndrome. Identifiers: Orphanet 29072, MedGen C0031511, MONDO:0008233, OMIM 171300, HP:0002666.
Pheochromocytoma/paraganglioma syndrome 4. Also called: PARAGANGLIOMA, FAMILIAL MALIGNANT; PARAGANGLIOMAS, HEREDITARY EXTRAADRENAL; PHEOCHROMOCYTOMA, FAMILIAL EXTRAADRENAL; SDHB-Related Hereditary Paraganglioma-Pheochromocytoma Syndrome; CAROTID BODY TUMORS AND MULTIPLE EXTRAADRENAL PHEOCHROMOCYTOMAS; Paragangliomas 4. Identifiers: Orphanet 29072, MedGen C1861848, MONDO:0007273, OMIM 115310.
Hereditary cancer-predisposing syndrome. Also called: Tumor predisposition; Neoplastic Syndromes, Hereditary; Hereditary neoplastic syndrome; Hereditary Cancer Syndrome. Identifiers: Orphanet 140162, MedGen C0027672, MeSH D009386, MONDO:0015356.
Hereditary pheochromocytoma and paraganglioma. Also called: Hereditary Paraganglioma-Pheochromocytoma Syndromes; Hereditary paragangliomas and pheochromocytomas; Hereditary pheochromocytoma-paraganglioma. Identifiers: Orphanet 29072, MedGen C4274332, MONDO:0017366.

Submissions (6):

Ambry Genetics
Classification: Pathogenic for Hereditary cancer-predisposing syndrome. Last evaluated: 2025-03-28. Review status: criteria provided, single submitter. Criteria: Ambry Variant Classification Scheme 2023. Collection method: clinical testing. Allele origin: germline.
Comment: The p.C93R pathogenic mutation (also known as c.277T>C), located in coding exon 3 of the SDHB gene, results from a T to C substitution at nucleotide position 277. The cysteine at codon 93 is replaced by arginine, an amino acid with highly dissimilar properties. This pathogenic variant has been identified in several individuals diagnosed with paragangliomas (Lima J et al. J. Clin. Endocrinol. Metab. 2007 Dec;92:4853-64; Neumann HP et al. Cancer Res. 2009 Apr;69:3650-6; Ambry internal data). Based on internal structural analysis, this variant is anticipated to result in loss of protein domain function (Inaoka DK et al. Int J Mol Sci. 2015 Jul;16(7):15287-308). This variant is considered to be rare based on population cohorts in the Genome Aggregation Database (gnomAD). Based on the supporting evidence, this alteration is interpreted as a disease-causing mutation.

Labcorp Genetics (formerly Invitae), Labcorp
Classification: Pathogenic for Gastrointestinal stromal tumor; Pheochromocytoma/paraganglioma syndrome 4; Pheochromocytoma. Last evaluated: 2025-02-09. Review status: criteria provided, single submitter. Criteria: Invitae Variant Classification Sherloc (09022015). Collection method: clinical testing. Allele origin: germline.
Comment: This sequence change replaces cysteine, which is neutral and slightly polar, with arginine, which is basic and polar, at codon 93 of the SDHB protein (p.Cys93Arg). This variant is not present in population databases (gnomAD no frequency). This missense change has been observed in individuals with paraganglioma and pheochromocytoma (PMID: 17848412, 19351833, 28374168, 31492822). ClinVar contains an entry for this variant (Variation ID: 165180). Invitae Evidence Modeling of protein sequence and biophysical properties (such as structural, functional, and spatial information, amino acid conservation, physicochemical variation, residue mobility, and thermodynamic stability) indicates that this missense variant is expected to disrupt SDHB protein function with a positive predictive value of 80%. This variant disrupts the p.Cys93 amino acid residue in SDHB. Other variant(s) that disrupt this residue have been observed in individuals with SDHB-related conditions (PMID: 19258401, 27539324), which suggests that this may be a clinically significant amino acid residue. For these reasons, this variant has been classified as Pathogenic.

CeGaT Center for Human Genetics Tuebingen
Classification: Likely pathogenic. Last evaluated: 2024-10-01. Review status: criteria provided, single submitter. Criteria: CeGaT Center For Human Genetics Tuebingen Variant Classification Criteria Version 2. Collection method: clinical testing. Allele origin: germline. Affected: yes. Observed: 1 variant allele.
Comment: SDHB: PM1, PM2, PM5, PS4:Moderate, PP3

Myriad Genetics, Inc.
Classification: Likely pathogenic for Pheochromocytoma/paraganglioma syndrome 4. Last evaluated: 2023-04-25. Review status: criteria provided, single submitter. Criteria: Myriad Autosomal Dominant, Autosomal Recessive and X-Linked Classification Criteria (2023). Collection method: clinical testing. Allele origin: unknown.
Comment: This variant is considered likely pathogenic. This variant has been reported in multiple individuals with clinical features of gene-specific disease [PMID: 17848412, 32971818, 28646318, 31492822]. This variant is expected to disrupt protein structure [Myriad internal data].

Section on Medical Neuroendocrinolgy, National Institutes of Health
Classification: Pathogenic for Hereditary pheochromocytoma and paraganglioma. Review status: no assertion criteria provided. Collection method: research. Allele origin: germline. Affected: yes. Not counted in ClinVar's aggregate classification.

Laboratory for Molecular Medicine, Mass General Brigham Personalized Medicine
Classification: Uncertain significance. Last evaluated: 2015-08-27. Review status: flagged submission. Criteria: LMM Criteria. Collection method: clinical testing. Allele origin: germline. Observed: 2 variant alleles. Not counted in ClinVar's aggregate classification.
Comment: Variant classified as Uncertain Significance - Favor Pathogenic. The p.Cys93Arg variant in SDHB has been previously reported in 4 individuals with paraganglioma (Lima 2007, Neumann 2009, Sevilla 2009, Hermsen 2010) and 1 individual with phe ochromocytoma (LMM unpublished data). It was also identified in 2 reportedly un affected family members (Lima 2007), though this could be due to reduced penetra nce and/or age of onset. It was absent from large population studies. Computatio nal prediction tools and conservation analyses, including structural analyses, s uggest this variant may impact the protein, though this information is not predi ctive enough to determine pathogenicity. In summary, while there is some suspici on for a pathogenic role, the clinical significance of the Cys93Arg variant is u ncertain.
ClinVar note: Reason: Older and outlier claim with insufficient supporting evidence

Literature cited by the submitters: PubMed 17848412 (cited by 4 submitters); PubMed 19351833 (cited by 3 submitters); PubMed 20208144 (cited by Ambry Genetics and Laboratory for Molecular Medicine, Mass General Brigham Personalized Medicine); PubMed 22904323 (cited by Ambry Genetics); PubMed 28374168 (cited by Labcorp Genetics (formerly Invitae), Labcorp); PubMed 31492822 (cited by Labcorp Genetics (formerly Invitae), Labcorp and Myriad Genetics, Inc.); PubMed 19258401 (cited by Labcorp Genetics (formerly Invitae), Labcorp); PubMed 27539324 (cited by Labcorp Genetics (formerly Invitae), Labcorp); PubMed 32971818 (cited by Myriad Genetics, Inc.); PubMed 28646318 (cited by Myriad Genetics, Inc.); PubMed 19393419 (cited by Laboratory for Molecular Medicine, Mass General Brigham Personalized Medicine).

NM_003000.3(SDHB):c.277T>C (p.Cys93Arg)

Gene: SDHB (succinate dehydrogenase complex iron sulfur subunit B; minus strand). Cytogenetic location: 1p36.13.
Variant type: single nucleotide variant.
Coding change: c.277T>C on transcript NM_003000.3 (MANE Select); coding-DNA position 277, T replaced by C.
Protein change: p.Cys93Arg; replaces cysteine 93 with arginine.
Molecular consequence: missense variant.
Genome position (GRCh38, 1-based): chr1:17,033,069, A>G on the plus strand (T>C on the coding strand, the complement: SDHB is on the minus strand). VCF-style: chr1-17033069-A-G. GRCh37 (hg19) VCF-style: chr1-17359564-A-G.
Other names: short protein forms C93R.
Identifiers: ClinVar variation 165180 (VCV000165180.31), dbSNP rs727503415, ClinGen allele CA015672.